The following is an entry in ClinVar:

ClinVar aggregate classification (germline): Pathogenic/Likely pathogenic. Review status: criteria provided, multiple submitters, no conflicts (2 of 4 stars). 3 submissions from 3 submitters: Pathogenic (2); Likely pathogenic (1). Last evaluated 2025-03-29.

Conditions:
TYRP1-related disorder. Also called: TYRP1-related condition.

Allele frequency attached by ClinVar (database versions not stated): ExAC 0.00001; gnomAD 0.00001.
gnomAD v4.1: 11 of 1,612,474 alleles (0.00068%); highest among the groups gnomAD compares: South Asian, 0.0011%; no homozygotes.

Submissions (3):

GeneDx
Classification: Pathogenic. Last evaluated: 2025-03-29. Review status: criteria provided, single submitter. Criteria: GeneDx Variant Classification Process June 2021. Collection method: clinical testing. Allele origin: germline.
Comment: Reported in a patient with a mild presentation of albinism who also harbored a single missense variant in the OCA2 gene; however, a second variant was not identified in either the TYRP1 or OCA2 gene (PMID: 27734839); Nonsense variant predicted to result in protein truncation or nonsense mediated decay in a gene for which loss of function is a known mechanism of disease; This variant is associated with the following publications: (PMID: 27734839)

Labcorp Genetics (formerly Invitae), Labcorp
Classification: Pathogenic. Last evaluated: 2023-12-14. Review status: criteria provided, single submitter. Criteria: Invitae Variant Classification Sherloc (09022015). Collection method: clinical testing. Allele origin: germline.
Comment: This sequence change creates a premature translational stop signal (p.Tyr438*) in the TYRP1 gene. It is expected to result in an absent or disrupted protein product. Loss-of-function variants in TYRP1 are known to be pathogenic (PMID: 8651291, 9345097). This variant is present in population databases (rs753192557, gnomAD 0.003%). This premature translational stop signal has been observed in individual(s) with clinical features of oculocutaneous albinism (PMID: 27734839). ClinVar contains an entry for this variant (Variation ID: 1387595). Algorithms developed to predict the effect of sequence changes on RNA splicing suggest that this variant may disrupt the consensus splice site. For these reasons, this variant has been classified as Pathogenic.

Blueprint Genetics
Classification: Likely pathogenic for TYRP1-related disorders. Last evaluated: 2023-01-16. Review status: criteria provided, single submitter. Criteria: ACMG Guidelines, 2015. Collection method: clinical testing. Allele origin: germline. Affected: yes. Observed: 2 variant alleles.

Literature cited by the submitters: PubMed 8651291 (cited by Labcorp Genetics (formerly Invitae), Labcorp); PubMed 9345097 (cited by Labcorp Genetics (formerly Invitae), Labcorp); PubMed 27734839 (cited by Labcorp Genetics (formerly Invitae), Labcorp).

NM_000550.3(TYRP1):c.1314C>A (p.Tyr438Ter)

Genes: LURAP1L-AS1 (LURAP1L antisense RNA 1; minus strand), TYRP1 (tyrosinase related protein 1; plus strand). Cytogenetic location: 9p23.
Variant type: single nucleotide variant.
Coding change: c.1314C>A on transcript NM_000550.3 (MANE Select); coding-DNA position 1314, C replaced by A.
Protein change: p.Tyr438Ter; replaces tyrosine 438 with a stop codon.
Molecular consequence: nonsense.
Genome position (GRCh38, 1-based): chr9:12,708,049, C>A. VCF-style: chr9-12708049-C-A. GRCh37 (hg19) VCF-style: chr9-12708049-C-A.
Other names: c.1314C>A (NM_000550.2); short protein forms Y438*.
Identifiers: ClinVar variation 1387595 (VCV001387595.8), dbSNP rs753192557, ClinGen allele CA4985524.